The following is an entry in ClinVar:

NM_000245.4(MET):c.440C>T (p.Pro147Leu)

Gene: MET (MET proto-oncogene, receptor tyrosine kinase; plus strand). Cytogenetic location: 7q31.2.
Variant type: single nucleotide variant.
Coding change: c.440C>T on transcript NM_000245.4 (MANE Select); coding-DNA position 440, C replaced by T.
Protein change: p.Pro147Leu; replaces proline 147 with leucine.
Molecular consequence: missense variant. On other transcripts: intron variant (1).
Genome position (GRCh38, 1-based): chr7:116,699,524, C>T. VCF-style: chr7-116699524-C-T. GRCh37 (hg19) VCF-style: chr7-116339578-C-T.
Other names: c.440C>T, p.Pro147Leu (NM_001127500.3, NM_001324401.3); c.-91+26947C>T (NM_001324402.2); short protein forms P147L.
Identifiers: ClinVar variation 4804284 (VCV004804284.1).

ClinVar aggregate classification (germline): Uncertain significance (1 of 4 stars; one submission).

Conditions:
Renal cell carcinoma. Identifiers: Orphanet 217071, MedGen C0007134, MeSH D002292, MONDO:0005086, HP:0005584.

Submission:

Labcorp Genetics (formerly Invitae), Labcorp
Classification: Uncertain significance for Renal cell carcinoma. Last evaluated: 2025-05-28. Review status: criteria provided, single submitter. Criteria: Invitae Variant Classification Sherloc (09022015). Collection method: clinical testing. Allele origin: germline.
Comment: This sequence change replaces proline, which is neutral and non-polar, with leucine, which is neutral and non-polar, at codon 147 of the MET protein (p.Pro147Leu). This variant is not present in population databases (gnomAD no frequency). This variant has not been reported in the literature in individuals affected with MET-related conditions. Invitae Evidence Modeling of protein sequence and biophysical properties (such as structural, functional, and spatial information, amino acid conservation, physicochemical variation, residue mobility, and thermodynamic stability) indicates that this missense variant is not expected to disrupt MET protein function with a negative predictive value of 80%. In summary, the available evidence is currently insufficient to determine the role of this variant in disease. Therefore, it has been classified as a Variant of Uncertain Significance.